The following is an entry in ClinVar:

NM_021830.5(TWNK):c.1072A>G (p.Thr358Ala)

Gene: TWNK (twinkle mtDNA helicase; plus strand). Cytogenetic location: 10q24.31.
Variant type: single nucleotide variant.
Coding change: c.1072A>G on transcript NM_021830.5 (MANE Select); coding-DNA position 1072, A replaced by G.
Protein change: p.Thr358Ala; replaces threonine 358 with alanine.
Molecular consequence: missense variant. On other transcripts: non-coding transcript variant (4), intron variant (3).
Genome position (GRCh38, 1-based): chr10:100,989,282, A>G. VCF-style: chr10-100989282-A-G. GRCh37 (hg19) VCF-style: chr10-102749039-A-G.
Other names: c.1072A>G, p.Thr358Ala (NM_001163812.2); c.-119-362A>G (NM_001163814.2, NM_001163813.2); c.-57-424A>G (NM_001368275.1); short protein forms T358A.
Identifiers: ClinVar variation 4537800 (VCV004537800.2).

ClinVar aggregate classification (germline): Uncertain significance. Review status: criteria provided, multiple submitters, no conflicts (2 of 4 stars). 2 submissions from 2 submitters: Uncertain significance (2). Last evaluated 2025-06-13.

Submissions (2):

GeneDx
Classification: Uncertain significance. Last evaluated: 2025-06-13. Review status: criteria provided, single submitter. Criteria: GeneDx Variant Classification Process June 2021. Collection method: clinical testing. Allele origin: germline. Affected: yes.
Comment: Not observed at significant frequency in large population cohorts (gnomAD); In silico analysis suggests that this missense variant does not alter protein structure/function; Has not been previously published as pathogenic or benign to our knowledge

Labcorp Genetics (formerly Invitae), Labcorp
Classification: Uncertain significance. Last evaluated: 2025-02-13. Review status: criteria provided, single submitter. Criteria: Invitae Variant Classification Sherloc (09022015). Collection method: clinical testing. Allele origin: germline.
Comment: This sequence change replaces threonine, which is neutral and polar, with alanine, which is neutral and non-polar, at codon 358 of the TWNK protein (p.Thr358Ala). This variant is not present in population databases (gnomAD no frequency). This variant has not been reported in the literature in individuals affected with TWNK-related conditions. Invitae Evidence Modeling of protein sequence and biophysical properties (such as structural, functional, and spatial information, amino acid conservation, physicochemical variation, residue mobility, and thermodynamic stability) indicates that this missense variant is not expected to disrupt TWNK protein function with a negative predictive value of 95%. In summary, the available evidence is currently insufficient to determine the role of this variant in disease. Therefore, it has been classified as a Variant of Uncertain Significance.